The following is an entry in ClinVar:

ClinVar aggregate classification (germline): Likely benign (0 of 4 stars; one submission).

Conditions:
ITGAV-related disorder. Also called: ITGAV-related condition.

Submission:

PreventionGenetics, part of Exact Sciences
Classification: Likely benign for ITGAV-related condition. Last evaluated: 2021-04-19. Review status: no assertion criteria provided. Collection method: clinical testing. Allele origin: germline.
Comment: This variant is classified as likely benign based on ACMG/AMP sequence variant interpretation guidelines (Richards et al. 2015 PMID: 25741868, with internal and published modifications).

NM_002210.5(ITGAV):c.2247-10dup

Genes: FAM171B-AS1 (FAM171B and ITGAV antisense RNA 1; minus strand), ITGAV (integrin subunit alpha V; plus strand). Cytogenetic location: 2q32.1.
Variant type: Duplication.
Coding change: c.2247-10dup on transcript NM_002210.5 (MANE Select); 10 bases into the intron before coding-DNA position 2247, one base duplicated (T; older notation c.2247-10dupT).
Molecular consequence: intron variant.
Genome position (GRCh38, 1-based): chr2:186,667,140, T duplicated; the last of 11 consecutive T bases (chr2:186,667,130-186,667,140); duplicating any one gives the same sequence. VCF-style (leftmost placement, unchanged base first): chr2-186667129-G-GT. GRCh37 (hg19) VCF-style: chr2-187531856-G-GT.
Other names: c.2139-10dup (NM_001145000.3); c.2109-10dup (NM_001144999.3).
Identifiers: ClinVar variation 3059628 (VCV003059628.2), dbSNP rs200132922, ClinGen allele CA2019178.